The following is an entry in ClinVar:

ClinVar aggregate classification (germline): Uncertain significance (1 of 4 stars; one submission).

Conditions:
Cardiovascular phenotype. Identifiers: MedGen CN230736.

Submission:

Ambry Genetics
Classification: Uncertain significance for Cardiovascular phenotype. Last evaluated: 2024-06-04. Review status: criteria provided, single submitter. Criteria: Ambry Variant Classification Scheme 2023. Collection method: clinical testing. Allele origin: germline.
Comment: The p.M40T variant (also known as c.119T>C), located in coding exon 2 of the GPD1L gene, results from a T to C substitution at nucleotide position 119. The methionine at codon 40 is replaced by threonine, an amino acid with similar properties. This amino acid position is conserved. In addition, this alteration is predicted to be deleterious by in silico analysis. Based on the available evidence, the clinical significance of this variant remains unclear.

NM_015141.4(GPD1L):c.119T>C (p.Met40Thr)

Gene: GPD1L (glycerol-3-phosphate dehydrogenase 1 like; plus strand). Cytogenetic location: 3p22.3.
Variant type: single nucleotide variant.
Coding change: c.119T>C on transcript NM_015141.4 (MANE Select); coding-DNA position 119, T replaced by C.
Protein change: p.Met40Thr; replaces methionine 40 with threonine.
Molecular consequence: missense variant.
Genome position (GRCh38, 1-based): chr3:32,128,147, T>C. VCF-style: chr3-32128147-T-C. GRCh37 (hg19) VCF-style: chr3-32169639-T-C.
Other names: short protein forms M40T.
Identifiers: ClinVar variation 3282143 (VCV003282143.1).